The following is an entry in ClinVar:

NM_001330260.2(SCN8A):c.1160A>G (p.Tyr387Cys)

Gene: SCN8A (sodium voltage-gated channel alpha subunit 8; plus strand). Cytogenetic location: 12q13.13.
Variant type: single nucleotide variant.
Coding change: c.1160A>G on transcript NM_001330260.2 (MANE Select); coding-DNA position 1160, A replaced by G.
Protein change: p.Tyr387Cys; replaces tyrosine 387 with cysteine.
Molecular consequence: missense variant.
Genome position (GRCh38, 1-based): chr12:51,705,442, A>G. VCF-style: chr12-51705442-A-G. GRCh37 (hg19) VCF-style: chr12-52099226-A-G.
Other names: c.1160A>G, p.Tyr387Cys (NM_001177984.3, NM_001369788.1, NM_014191.4); short protein forms Y387C.
Identifiers: ClinVar variation 3360893 (VCV003360893.1).

ClinVar aggregate classification (germline): Uncertain significance (1 of 4 stars; one submission).

Submission:

GeneDx
Classification: Uncertain significance. Last evaluated: 2023-07-13. Review status: criteria provided, single submitter. Criteria: GeneDx Variant Classification Process June 2021. Collection method: clinical testing. Allele origin: germline. Affected: yes.
Comment: Not observed at significant frequency in large population cohorts (gnomAD); Missense variants in this gene are often considered pathogenic (HGMD); In silico analysis supports that this missense variant has a deleterious effect on protein structure/function; This substitution is predicted to be within the extracellular/intracellular loop between the S5 and S6 transmembrane segments of the first homologous domain.; Has not been previously published as pathogenic or benign to our knowledge